The following is an entry in ClinVar:

NM_000169.3(GLA):c.999+2T>C

Genes: GLA (galactosidase alpha; minus strand), RPL36A-HNRNPH2 (RPL36A-HNRNPH2 readthrough; plus strand). Cytogenetic location: Xq22.1.
Variant type: single nucleotide variant.
Coding change: c.999+2T>C on transcript NM_000169.3 (MANE Select); the canonical splice donor site of the intron after coding-DNA position 999, T replaced by C.
Molecular consequence: splice donor variant. On other transcripts: missense variant (1), intron variant (2).
Genome position (GRCh38, 1-based): chrX:101,398,368, A>G on the plus strand (T>C on the coding strand, the complement: GLA is on the minus strand). VCF-style: chrX-101398368-A-G. GRCh37 (hg19) VCF-style: chrX-100653356-A-G.
Other names: c.1001T>C, p.Val334Ala (NM_001406748.1); c.300+2911A>G (NM_001199973.2); c.177+6546A>G (NM_001199974.2); c.1122+2T>C (NM_001406747.1); short protein forms V334A.
Identifiers: ClinVar variation 286849 (VCV000286849.21), dbSNP rs886044860, ClinGen allele CA10605590.

ClinVar aggregate classification (germline): Pathogenic. Review status: criteria provided, multiple submitters, no conflicts (2 of 4 stars). 6 submissions from 6 submitters: Pathogenic (5). 1 of the submissions does not count toward it. Last evaluated 2026-09-08.

Conditions:
Fabry disease. Also called: Fabry's disease; GLA DEFICIENCY; HEREDITARY DYSTOPIC LIPIDOSIS; Ceramide trihexosidosis; Angiokeratoma corporis diffusum; ANDERSON-FABRY DISEASE. Identifiers: Orphanet 324, MedGen C0002986, MONDO:0010526, OMIM 301500, HP:0001071. Disease mechanism: loss of function, Fabry disease is due to inactivating mutations in the X-linked GLA gene resulting in deficiency of the enzyme Alpha Galactosidase-A..

Submissions (6):

Genomenon, Inc
Classification: Pathogenic for Fabry disease. Last evaluated: 2026-09-08. Review status: criteria provided, single submitter. Criteria: Genomenon Sequence Variant Interpretation Standards - Updated. Collection method: curation. Allele origin: germline. Affected: yes.
Comment: GLA c.999+2T>C is a canonical splice variant affecting the donor splice site of intron 6. It is predicted to affect mRNA splicing, leading to a deleterious effect on the GLA protein. This variant has been observed in at least one proband with clinical features consistent with Fabry disease (PMID:10666480;39669636;27992580). Functional or patient cell studies have been reported (PMID:10666480;39669636). It is absent or not present at a significant frequency in gnomAD. In conclusion, we classify GLA c.999+2T>C as a pathogenic variant.

Labcorp Genetics (formerly Invitae), Labcorp
Classification: Pathogenic for Fabry disease. Last evaluated: 2025-07-29. Review status: criteria provided, single submitter. Criteria: Invitae Variant Classification Sherloc (09022015). Collection method: clinical testing. Allele origin: germline.
Comment: This sequence change affects a donor splice site in intron 6 of the GLA gene. While this variant is not anticipated to result in nonsense mediated decay, it likely alters RNA splicing and results in a disrupted protein product. This variant is not present in population databases (gnomAD no frequency). Disruption of this splice site has been observed in individual(s) with Fabry disease (PMID: 10666480, 27992580). This variant is also known as IVS6+2; IVS6+2T>C. ClinVar contains an entry for this variant (Variation ID: 286849). Variants that disrupt the consensus splice site are a relatively common cause of aberrant splicing (PMID: 17576681, 9536098). Algorithms developed to predict the effect of sequence changes on RNA splicing suggest that this variant may disrupt the consensus splice site. This variant disrupts a region of the GLA protein in which other variant(s) (p.Thr412Ile) have been determined to be pathogenic (internal data). This suggests that this is a clinically significant region of the protein, and that variants that disrupt it are likely to be disease-causing. For these reasons, this variant has been classified as Pathogenic.

Revvity Omics, Revvity
Classification: Pathogenic. Last evaluated: 2024-06-14. Review status: criteria provided, single submitter. Criteria: ACMG Guidelines, 2015. Collection method: clinical testing. Allele origin: germline.

Women's Health and Genetics/Laboratory Corporation of America, LabCorp
Classification: Pathogenic for Fabry disease. Last evaluated: 2024-02-05. Review status: criteria provided, single submitter. Criteria: LabCorp Variant Classification Summary - May 2015. Collection method: clinical testing. Allele origin: germline.
Comment: Variant summary: GLA c.999+2T>C is located in a canonical splice-site and is predicted to affect mRNA splicing resulting in a significantly altered protein due to either exon skipping, shortening, or inclusion of intronic material. Several computational tools predict a significant impact on normal splicing: three predict the variant abolishes a 5' splicing donor site. However, these predictions have yet to be confirmed by functional studies. The variant was absent in 183318 control chromosomes (gnomAD). The variant, c.999+2T>C (aka IVS6+2T>C) has been reported in the literature in individuals affected with Fabry Disease (Topaloglu_1999, Liu_2013, Fall_2016, Germain_2020). These data indicate that the variant is likely associated with disease. To our knowledge, no experimental evidence demonstrating an impact on protein function has been reported. The following publications have been ascertained in the context of this evaluation (PMID: 27992580, 32161151, 12786754, 23591357, 10666480). ClinVar contains an entry for this variant (Variation ID: 286849). Based on the evidence outlined above, the variant was classified as pathogenic.

Eurofins Ntd Llc (ga)
Classification: Pathogenic. Last evaluated: 2016-03-21. Review status: criteria provided, single submitter. Criteria: EGL Classification Definitions 2015. Collection method: clinical testing. Allele origin: germline. Observed: 4 variant alleles, 2 heterozygotes, 2 hemizygotes.

Counsyl
Classification: Pathogenic for Fabry disease. Last evaluated: 2018-01-30. Review status: no assertion criteria provided. Collection method: clinical testing. Allele origin: unknown. Not counted in ClinVar's aggregate classification.

Literature cited by the submitters: PubMed 10666480 (cited by 4 submitters); PubMed 39669636 (cited by Genomenon, Inc); PubMed 27992580 (cited by 4 submitters); PubMed 17576681 (cited by Labcorp Genetics (formerly Invitae), Labcorp); PubMed 9536098 (cited by Labcorp Genetics (formerly Invitae), Labcorp); PubMed 32161151 (cited by Women's Health and Genetics/Laboratory Corporation of America, LabCorp); PubMed 12786754 (cited by Women's Health and Genetics/Laboratory Corporation of America, LabCorp and Counsyl); PubMed 23591357 (cited by Women's Health and Genetics/Laboratory Corporation of America, LabCorp and Counsyl).